The following is an entry in ClinVar:

NM_198880.3(QRICH1):c.25A>G (p.Ile9Val)

Gene: QRICH1 (glutamine rich 1; minus strand). Cytogenetic location: 3p21.31.
Variant type: single nucleotide variant.
Coding change: c.25A>G on transcript NM_198880.3 (MANE Select); coding-DNA position 25, A replaced by G.
Protein change: p.Ile9Val; replaces isoleucine 9 with valine.
Molecular consequence: missense variant.
Genome position (GRCh38, 1-based): chr3:49,076,993, T>C on the plus strand (A>G on the coding strand, the complement: QRICH1 is on the minus strand). VCF-style: chr3-49076993-T-C. GRCh37 (hg19) VCF-style: chr3-49114426-T-C.
Other names: c.25A>G, p.Ile9Val (NM_001320580.2, NM_001320581.2, NM_001320582.2 and 4 more transcripts); short protein forms I9V.
Identifiers: ClinVar variation 3906650 (VCV003906650.1).

ClinVar aggregate classification (germline): Uncertain significance (1 of 4 stars; one submission).

Submission:

GeneDx
Classification: Uncertain significance. Last evaluated: 2024-12-18. Review status: criteria provided, single submitter. Criteria: GeneDx Variant Classification Process June 2021. Collection method: clinical testing. Allele origin: germline. Affected: yes.
Comment: Not observed at significant frequency in large population cohorts (gnomAD); In silico analysis indicates that this missense variant does not alter protein structure/function; Has not been previously published as pathogenic or benign to our knowledge